The following is an entry in ClinVar:

ClinVar aggregate classification (germline): Uncertain significance (1 of 4 stars; one submission).

Conditions:
Microcephaly, normal intelligence and immunodeficiency (NBS). Also called: BERLIN BREAKAGE SYNDROME; Ataxia telangiectasia variant V1; Immunodeficiency, microcephaly with normal intelligence; IMMUNODEFICIENCY, MICROCEPHALY, AND CHROMOSOMAL INSTABILITY; SEEMANOVA SYNDROME II; Nijmegen breakage syndrome. Identifiers: Orphanet 647, MedGen C0398791, MONDO:0009623, OMIM 251260.

Submission:

Labcorp Genetics (formerly Invitae), Labcorp
Classification: Uncertain significance for Microcephaly, normal intelligence and immunodeficiency. Last evaluated: 2023-11-13. Review status: criteria provided, single submitter. Criteria: Invitae Variant Classification Sherloc (09022015). Collection method: clinical testing. Allele origin: germline.
Comment: This sequence change replaces lysine, which is basic and polar, with arginine, which is basic and polar, at codon 82 of the NBN protein (p.Lys82Arg). This variant is not present in population databases (gnomAD no frequency). This variant has not been reported in the literature in individuals affected with NBN-related conditions. An algorithm developed to predict the effect of missense changes on protein structure and function (PolyPhen-2) suggests that this variant is likely to be tolerated. In summary, the available evidence is currently insufficient to determine the role of this variant in disease. Therefore, it has been classified as a Variant of Uncertain Significance.

NM_002485.5(NBN):c.245A>G (p.Lys82Arg)

Gene: NBN (nibrin; minus strand). Cytogenetic location: 8q21.3.
Variant type: single nucleotide variant.
Coding change: c.245A>G on transcript NM_002485.5 (MANE Select); coding-DNA position 245, A replaced by G.
Protein change: p.Lys82Arg; replaces lysine 82 with arginine.
Molecular consequence: missense variant. On other transcripts: 5 prime UTR variant (1).
Genome position (GRCh38, 1-based): chr8:89,981,450, T>C on the plus strand (A>G on the coding strand, the complement: NBN is on the minus strand). VCF-style: chr8-89981450-T-C. GRCh37 (hg19) VCF-style: chr8-90993678-T-C.
Other names: c.-2A>G (NM_001024688.3); short protein forms K82R.
Identifiers: ClinVar variation 2811425 (VCV002811425.3), dbSNP rs2488360818, ClinGen allele CA371662490.
Genomic context (GRCh38, chr8:89,981,450, plus strand): 5'-AACACTCCAAAAGTAATACCATCCCCCGACTTCAAAGTTCGGGAAAAGCCATTCTGCATT[T>C]TTTCCTCATTAACAAAGGTACCATACTTAGAATTATCTTTTAATGTCAATACAGGGATTT-3'
Protein context (NP_002476.2, residues 72-92): SKYGTFVNEE[Lys82Arg]MQNGFSRTLK